The following is an entry in ClinVar:

NM_001199138.2(NLRC4):c.817A>T (p.Asn273Tyr)

Gene: NLRC4 (NLR family CARD domain containing 4; minus strand). Cytogenetic location: 2p22.3.
Variant type: single nucleotide variant.
Coding change: c.817A>T on transcript NM_001199138.2 (MANE Select); coding-DNA position 817, A replaced by T.
Protein change: p.Asn273Tyr; replaces asparagine 273 with tyrosine.
Molecular consequence: missense variant. On other transcripts: intron variant (1).
Genome position (GRCh38, 1-based): chr2:32,251,047, T>A on the plus strand (A>T on the coding strand, the complement: NLRC4 is on the minus strand). VCF-style: chr2-32251047-T-A. GRCh37 (hg19) VCF-style: chr2-32476116-T-A.
Other names: c.817A>T, p.Asn273Tyr (NM_001199139.2, NM_021209.5); c.262+1372A>T (NM_001302504.1); short protein forms N273Y.
Identifiers: ClinVar variation 2945319 (VCV002945319.3), dbSNP rs1375437918, ClinGen allele CA346514239.

ClinVar aggregate classification (germline): Uncertain significance (1 of 4 stars; one submission).

Conditions:
Periodic fever-infantile enterocolitis-autoinflammatory syndrome. Also called: Autoinflammation with infantile enterocolitis. Identifiers: Orphanet 436166, MedGen C4015067, MONDO:0014472, OMIM 616050.
Familial cold autoinflammatory syndrome 4 (FCAS4). Identifiers: Orphanet 47045, Orphanet 576349, MedGen C4015276, MONDO:0014498, OMIM 616115.

Allele frequency attached by ClinVar (database versions not stated): gnomAD 0.00001; gnomAD exomes below 0.00001; TOPMed 0.00002.
gnomAD v4.1: 3 of 1,614,102 alleles (0.00019%); highest among the groups gnomAD compares: African/African-American, 0.004%; no homozygotes.

Submission:

Labcorp Genetics (formerly Invitae), Labcorp
Classification: Uncertain significance for Periodic fever-infantile enterocolitis-autoinflammatory syndrome; Familial cold autoinflammatory syndrome 4. Last evaluated: 2023-03-28. Review status: criteria provided, single submitter. Criteria: Invitae Variant Classification Sherloc (09022015). Collection method: clinical testing. Allele origin: germline.
Comment: In summary, the available evidence is currently insufficient to determine the role of this variant in disease. Therefore, it has been classified as a Variant of Uncertain Significance. Advanced modeling of protein sequence and biophysical properties (such as structural, functional, and spatial information, amino acid conservation, physicochemical variation, residue mobility, and thermodynamic stability) performed at Invitae indicates that this missense variant is expected to disrupt NLRC4 protein function. This variant has not been reported in the literature in individuals affected with NLRC4-related conditions. This variant is not present in population databases (gnomAD no frequency). This sequence change replaces asparagine, which is neutral and polar, with tyrosine, which is neutral and polar, at codon 273 of the NLRC4 protein (p.Asn273Tyr).